The following is an entry in ClinVar:

NC_000002.11:g.(?_219679093)_(219679763_?)del

Gene: CYP27A1 (cytochrome P450 family 27 subfamily A member 1; plus strand). Cytogenetic location: 2q35.
Variant type: Deletion.
Identifiers: ClinVar variation 1066017 (VCV001066017.1).

ClinVar aggregate classification (germline): Likely pathogenic (1 of 4 stars; one submission).

Conditions:
Cholestanol storage disease (CTX). Also called: Cerebrotendinous Xanthomatosis; CEREBRAL CHOLESTERINOSIS; CTX: Cerebrotendinous xanthomatosis. Identifiers: Orphanet 909, MedGen C0238052, MONDO:0008948, OMIM 213700.

Submission:

Labcorp Genetics (formerly Invitae), Labcorp
Classification: Likely pathogenic for Cholestanol storage disease. Last evaluated: 2020-06-10. Review status: criteria provided, single submitter. Criteria: Invitae Variant Classification Sherloc (09022015). Collection method: clinical testing. Allele origin: germline.
Comment: This variant is a gross deletion of the genomic region encompassing exons 7-9 of the CYP27A1 gene. The 5' boundary is likely confined to intron 6. The 3' end of this event is unknown as it extends through the termination codon beyond the assayed region for this gene and may encompass additional genes. While this deletion is not anticipated to result in nonsense mediated decay, it is expected to create a truncated protein product or disrupt mRNA translation. This variant has not been reported in the literature in individuals with CYP27A1-related conditions. This variant disrupts the p.Arg474 amino acid residue in CYP27A1. Other variant(s) that disrupt this residue have been determined to be pathogenic (PMID: 7915755, 10406988, 12270007, 17319284, 22336472, 29321515, 11903362). This suggests that this residue is clinically significant, and that variants that disrupt this residue are likely to be disease-causing. In summary, the currently available evidence indicates that the variant is pathogenic, but additional data are needed to prove that conclusively. Therefore, this variant has been classified as Likely Pathogenic.

Literature cited by the submitters: PubMed 7915755; PubMed 10406988; PubMed 12270007; PubMed 17319284; PubMed 22336472; PubMed 29321515; PubMed 11903362.